The following is an entry in ClinVar:

NM_000179.3(MSH6):c.3320A>T (p.Asp1107Val)

Gene: MSH6 (mutS homolog 6; plus strand). Cytogenetic location: 2p16.3.
Variant type: single nucleotide variant.
Coding change: c.3320A>T on transcript NM_000179.3 (MANE Select); coding-DNA position 3320, A replaced by T.
Protein change: p.Asp1107Val; replaces aspartic acid 1107 with valine.
Molecular consequence: missense variant.
Genome position (GRCh38, 1-based): chr2:47,803,567, A>T. VCF-style: chr2-47803567-A-T. GRCh37 (hg19) VCF-style: chr2-48030706-A-T.
Other names: c.3023A>T, p.Asp1008Val (NM_001406830.1, NM_001406797.1, NM_001406801.1 and 10 more transcripts); c.101A>T, p.Asp34Val (NM_001406831.1); c.167A>T, p.Asp56Val (NM_001406832.1); c.1265A>T, p.Asp422Val (NM_001407362.1); c.2930A>T, p.Asp977Val (NM_001281492.2); c.2414A>T, p.Asp805Val (NM_001281493.2, NM_001281494.2, NM_001406811.1 and 6 more transcripts); c.3416A>T, p.Asp1139Val (NM_001406795.1, NM_001406802.1); c.3320A>T, p.Asp1107Val (NM_001406796.1, NM_001406800.1, NM_001406808.1 and 1 more transcripts); and 6 more; short protein forms D1081V, D1107V, D56V, D819V, D932V, D977V, D1109V, D585V.
Identifiers: ClinVar variation 1730196 (VCV001730196.2), dbSNP rs1669757838, ClinGen allele CA346758669.

ClinVar aggregate classification (germline): Uncertain significance (1 of 4 stars; one submission).

Conditions:
Hereditary cancer-predisposing syndrome. Also called: Neoplastic Syndromes, Hereditary; Tumor predisposition; Hereditary Cancer Syndrome; Hereditary neoplastic syndrome. Identifiers: Orphanet 140162, MedGen C0027672, MeSH D009386, MONDO:0015356.

Submission:

Ambry Genetics
Classification: Uncertain significance for Hereditary cancer-predisposing syndrome. Last evaluated: 2021-02-17. Review status: criteria provided, single submitter. Criteria: Ambry Variant Classification Scheme 2023. Collection method: clinical testing. Allele origin: germline.
Comment: The p.D1107V variant (also known as c.3320A>T), located in coding exon 5 of the MSH6 gene, results from an A to T substitution at nucleotide position 3320. The aspartic acid at codon 1107 is replaced by valine, an amino acid with highly dissimilar properties. This amino acid position is well conserved in available vertebrate species. In addition, this alteration is predicted to be deleterious by in silico analysis. Since supporting evidence is limited at this time, the clinical significance of this alteration remains unclear.